The following is an entry in ClinVar:

NM_002160.4(TNC):c.2006G>A (p.Arg669His)

Gene: TNC (tenascin C; minus strand). Cytogenetic location: 9q33.1.
Variant type: single nucleotide variant.
Coding change: c.2006G>A on transcript NM_002160.4 (MANE Select); coding-DNA position 2006, G replaced by A.
Protein change: p.Arg669His; replaces arginine 669 with histidine.
Molecular consequence: missense variant.
Genome position (GRCh38, 1-based): chr9:115,084,334, C>T on the plus strand (G>A on the coding strand, the complement: TNC is on the minus strand). VCF-style: chr9-115084334-C-T. GRCh37 (hg19) VCF-style: chr9-117846613-C-T.
Other names: c.2006G>A, p.Arg669His (NM_001410991.1); short protein forms R669H.
Identifiers: ClinVar variation 3180116 (VCV003180116.5), dbSNP rs140818796, ClinGen allele CA5208659.
Genomic context (GRCh38, chr9:115,084,334, plus strand): 5'-AAGTACTCCACACCAGGCTCCAGCTCCTGGATGATGGTGGACGTCTGGTCCCCAGGCACA[C>T]GGAACTGCATTTCCAGACCACCCTCGTGGGTGGGCGTGTACACGACAAGGTACTCTGTGA-3'
Protein context (NP_002151.2, residues 659-679): THEGGLEMQF[Arg669His]VPGDQTSTII

ClinVar aggregate classification (germline): Uncertain significance. Review status: criteria provided, multiple submitters, no conflicts (2 of 4 stars). 3 submissions from 3 submitters: Uncertain significance (3). Last evaluated 2026-04-30.

Conditions:
TNC-related disorder. Also called: TNC-related condition.
Autosomal dominant nonsyndromic hearing loss 56. Also called: Deafness, autosomal dominant 56. Identifiers: Orphanet 90635, MedGen C3810170, MONDO:0014283, OMIM 615629.

Allele frequency attached by ClinVar (database versions not stated): ExAC 0.00003; ESP Exome Variant Server 0.00008; gnomAD 0.00013; 1000 Genomes Project 30x 0.00016; TOPMed 0.00018; 1000 Genomes Project 0.00020.
gnomAD v4.1: 49 of 1,614,188 alleles (0.003%); highest among the groups gnomAD compares: Admixed American, 0.02%; no homozygotes.

Submissions (3):

Laboratory of Molecular, Cellular and Translation Genetics in Otolaryngology/ Lim32-hcfmusp, University of Sao Paulo School of Medicine Clinics Hospital
Classification: Uncertain significance for Autosomal dominant nonsyndromic hearing loss 56. Last evaluated: 2026-04-30. Review status: criteria provided, single submitter. Criteria: ACMG Guidelines, 2015. Collection method: research. Allele origin: germline. Affected: yes.
Comment: NM_002160.4:c.2006G>A: p.(Arg669His). This variant has been classified as a variant of uncertain significance (VUS). It is rare in population databases (PM2_supporting). In silico prediction tools are inconclusive regarding its impact on protein function. Therefore, the available evidence is insufficient to establish a causal role for this variant in the proband’s phenotype as described in PMID: 42233699.

PreventionGenetics, part of Exact Sciences
Classification: Uncertain significance for TNC-related condition. Last evaluated: 2025-12-23. Review status: criteria provided, single submitter. Criteria: ACMG Guidelines, 2015. Collection method: clinical testing. Allele origin: germline.
Comment: The TNC c.2006G>A variant is predicted to result in the amino acid substitution p.Arg669His. To our knowledge, this variant has not been reported in the literature. This variant is reported in 0.024% of alleles in individuals of African descent in gnomAD. Although we suspect that this variant may be benign, at this time, the clinical significance of this variant is uncertain due to the absence of conclusive functional and genetic evidence.

Ambry Genetics
Classification: Uncertain significance. Last evaluated: 2025-11-26. Review status: criteria provided, single submitter. Criteria: Ambry Variant Classification Scheme 2023. Collection method: clinical testing. Allele origin: germline.

Literature cited by the submitters: PubMed 42233699 (cited by Laboratory of Molecular, Cellular and Translation Genetics in Otolaryngology/ Lim32-hcfmusp, University of Sao Paulo School of Medicine Clinics Hospital).